The following is an entry in ClinVar:

ClinVar aggregate classification (germline): Likely benign. Review status: criteria provided, multiple submitters, no conflicts (2 of 4 stars). 2 submissions from 2 submitters: Likely benign (2). Last evaluated 2024-09-04.

Conditions:
Familial cancer of breast. Also called: hereditary breast carcinoma; BREAST CANCER, FAMILIAL; Hereditary breast cancer. Identifiers: Orphanet 227535, MedGen C0346153, MONDO:0016419, OMIM 114480. Disease mechanism: loss of function.

Allele frequency attached by ClinVar (database versions not stated): gnomAD exomes below 0.00001.

Submissions (2):

Myriad Genetics, Inc.
Classification: Likely benign for Familial cancer of breast. Last evaluated: 2024-09-04. Review status: criteria provided, single submitter. Criteria: Myriad Autosomal Dominant, Autosomal Recessive and X-Linked Classification Criteria (2023). Collection method: clinical testing. Allele origin: unknown.
Comment: This variant is considered likely benign. This variant is intronic and is not expected to impact mRNA splicing.

GeneDx
Classification: Likely benign. Last evaluated: 2017-08-02. Review status: criteria provided, single submitter. Criteria: GeneDx Variant Classification (06012015). Collection method: clinical testing. Allele origin: germline. Affected: yes.
Comment: This variant is considered likely benign or benign based on one or more of the following criteria: it is a conservative change, it occurs at a poorly conserved position in the protein, it is predicted to be benign by multiple in silico algorithms, and/or has population frequency not consistent with disease.

NM_032043.3(BRIP1):c.2258-10G>A

Gene: BRIP1 (BRCA1 interacting DNA helicase 1; minus strand). Cytogenetic location: 17q23.2.
Variant type: single nucleotide variant.
Coding change: c.2258-10G>A on transcript NM_032043.3 (MANE Select); 10 bases into the intron before coding-DNA position 2258, G replaced by A.
Molecular consequence: intron variant.
Genome position (GRCh38, 1-based): chr17:61,743,144, C>T on the plus strand (G>A on the coding strand, the complement: BRIP1 is on the minus strand). VCF-style: chr17-61743144-C-T. GRCh37 (hg19) VCF-style: chr17-59820505-C-T.
Identifiers: ClinVar variation 511302 (VCV000511302.2), dbSNP rs1250252907, ClinGen allele CA626801702.
Genomic context (GRCh38, chr17:61,743,144, plus strand): 5'-CCAGACCCTCACTCACTTTACCACGACAAACTGCTACCAGGAGAGCTCCATCTTAAACAA[C>T]AGAAAAAAGCATATCCAAAATTCTCAGAAATTGCTTATTCTTGTCATTTTGAAAATACCT-3'